The following is an entry in ClinVar:

ClinVar aggregate classification (germline): Benign/Likely benign. Review status: criteria provided, multiple submitters, no conflicts (2 of 4 stars). 15 submissions from 13 submitters: Benign (6); Likely benign (7). 2 of the submissions do not count toward it. Last evaluated 2026-03-01.

Conditions:
Generalized epilepsy with febrile seizures plus, type 7 (GEFSP7). Also called: GEFS+, TYPE 7. Identifiers: Orphanet 36387, MedGen C2751778, MONDO:0013470, OMIM 613863.
Neuropathy, hereditary sensory and autonomic, type 2A (HSAN2A). Also called: ACROOSTEOLYSIS, GIACCAI TYPE; ACROOSTEOLYSIS, NEUROGENIC; MORVAN DISEASE; NEUROPATHY, CONGENITAL SENSORY; NEUROPATHY, HEREDITARY SENSORY RADICULAR, AUTOSOMAL RECESSIVE; NEUROPATHY, HEREDITARY SENSORY, TYPE IIA. Identifiers: Orphanet 970, MedGen C2752089, MONDO:0024309, OMIM 201300.
Channelopathy-associated congenital insensitivity to pain, autosomal recessive. Also called: Insensitivity to pain, channelopathy-associated; ASYMBOLIA FOR PAIN; CONGENITAL ANALGESIA, AUTOSOMAL RECESSIVE. Identifiers: Orphanet 88642, Orphanet 970, MedGen C1855739, MONDO:0009459, OMIM 243000.
Primary erythromelalgia. Also called: primary erythermalgia; SCN9A Erythromelalgia (SCN9A-EM). Identifiers: Orphanet 306577, Orphanet 90026, MedGen C0014805, MONDO:0007571, OMIM 133020.
Paroxysmal extreme pain disorder (PEXPD). Also called: PAIN, SUBMANDIBULAR, OCULAR, AND RECTAL, WITH FLUSHING; RECTAL PAIN, FAMILIAL; SCN9A Paroxysmal Extreme Pain Disorder (SCN9A-PEPD). Identifiers: Orphanet 46348, MedGen C1833661, MONDO:0008179, OMIM 167400.

Allele frequency attached by ClinVar (database versions not stated): gnomAD exomes 0.00038 and 0.00077; ExAC 0.00100; ESP Exome Variant Server 0.00255; gnomAD 0.00293 and 0.00315; TOPMed 0.00332; 1000 Genomes Project 0.00439; 1000 Genomes Project 30x 0.00453.
gnomAD v4.1: 1,064 of 1,613,748 alleles (0.066%); highest among the groups gnomAD compares: African/African-American, 1%; 10 homozygotes.

Submissions (15):

CeGaT Center for Human Genetics Tuebingen
Classification: Likely benign. Last evaluated: 2026-03-01. Review status: criteria provided, single submitter. Criteria: CeGaT Center For Human Genetics Tuebingen Variant Classification Criteria Version 2. Collection method: clinical testing. Allele origin: germline. Affected: yes. Observed: 3 variant alleles.
Comment: SCN9A: BS1

Labcorp Genetics (formerly Invitae), Labcorp
Classification: Benign for Neuropathy, hereditary sensory and autonomic, type 2A; Generalized epilepsy with febrile seizures plus, type 7. Last evaluated: 2026-02-02. Review status: criteria provided, single submitter. Criteria: Invitae Variant Classification Sherloc (09022015). Collection method: clinical testing. Allele origin: germline.

Genomic Medicine Center of Excellence, King Faisal Specialist Hospital and Research Centre
Classification: Likely benign. Last evaluated: 2025-08-18. Review status: criteria provided, single submitter. Criteria: ACMG Guidelines, 2015. Collection method: clinical testing. Allele origin: germline.

Mayo Clinic Laboratories, Mayo Clinic
Classification: Benign. Last evaluated: 2024-12-26. Review status: criteria provided, single submitter. Criteria: ACMG Guidelines, 2015. Collection method: clinical testing. Allele origin: germline. Observed: 6 variant alleles.
Comment: BA1, BP4

Blueprint Genetics
Classification: Likely benign. Last evaluated: 2024-11-21. Review status: criteria provided, single submitter. Criteria: ACMG Guidelines, 2015. Collection method: clinical testing. Allele origin: germline.

GeneDx
Classification: Likely benign. Last evaluated: 2020-08-14. Review status: criteria provided, single submitter. Criteria: GeneDx Variant Classification Process June 2021. Collection method: clinical testing. Allele origin: germline. Affected: yes.

Athena Diagnostics
Classification: Likely benign. Last evaluated: 2018-05-23. Review status: criteria provided, single submitter. Criteria: Athena Diagnostics Criteria. Collection method: clinical testing. Allele origin: germline.

Illumina Laboratory Services, Illumina
Classification: Benign for Paroxysmal extreme pain disorder. Last evaluated: 2018-01-12. Review status: criteria provided, single submitter. Criteria: ICSL Variant Classification Criteria 13 December 2019. Collection method: clinical testing. Allele origin: germline.
Comment: This variant was observed in the ICSL laboratory as part of a predisposition screen in an ostensibly healthy population. It had not been previously curated by ICSL or reported in the Human Gene Mutation Database (HGMD: prior to June 1st, 2018), and was therefore a candidate for classification through an automated scoring system. Utilizing variant allele frequency, disease prevalence and penetrance estimates, and inheritance mode, an automated score was calculated to assess if this variant is too frequent to cause the disease. Based on the score and internal cut-off values, a variant classified as benign is not then subjected to further curation. The score for this variant resulted in a classification of benign for this disease.

Illumina Laboratory Services, Illumina
Classification: Likely benign for Channelopathy-associated congenital insensitivity to pain, autosomal recessive. Last evaluated: 2018-01-12. Review status: criteria provided, single submitter. Criteria: ICSL Variant Classification Criteria 13 December 2019. Collection method: clinical testing. Allele origin: germline.
Comment: This variant was observed in the ICSL laboratory as part of a predisposition screen in an ostensibly healthy population. It had not been previously curated by ICSL or reported in the Human Gene Mutation Database (HGMD: prior to June 1st, 2018), and was therefore a candidate for classification through an automated scoring system. Utilizing variant allele frequency, disease prevalence and penetrance estimates, and inheritance mode, an automated score was calculated to assess if this variant is too frequent to cause the disease. Based on the score and internal cut-off values, a variant classified as likely benign is not then subjected to further curation. The score for this variant resulted in a classification of likely benign for this disease.

Illumina Laboratory Services, Illumina
Classification: Benign for Primary erythromelalgia. Last evaluated: 2018-01-12. Review status: criteria provided, single submitter. Criteria: ICSL Variant Classification Criteria 13 December 2019. Collection method: clinical testing. Allele origin: germline.
Comment: the same text as in the submission from Illumina Laboratory Services, Illumina above.

Center for Pediatric Genomic Medicine, Children's Mercy Hospital and Clinics
Classification: Benign. Last evaluated: 2017-01-12. Review status: criteria provided, single submitter. Criteria: ACMG Guidelines, 2015. Collection method: clinical testing. Allele origin: germline.

Eurofins Ntd Llc (ga)
Classification: Benign. Last evaluated: 2015-05-12. Review status: criteria provided, single submitter. Criteria: EGL Classification Definitions 2015. Collection method: clinical testing. Allele origin: germline. Observed: 1 variant allele, 1 heterozygote.

Breakthrough Genomics
Classification: Likely benign. Review status: criteria provided, single submitter. Criteria: ACMG Guidelines, 2015. Collection method: not provided. Allele origin: germline. Inheritance: Autosomal recessive inheritance. Affected: yes.

Clinical Genetics DNA and cytogenetics Diagnostics Lab, Erasmus MC, Erasmus Medical Center
Classification: Likely benign. Review status: no assertion criteria provided. Collection method: clinical testing. Allele origin: germline. Affected: yes. Study: VKGL Data-share Consensus. Not counted in ClinVar's aggregate classification.

Joint Genome Diagnostic Labs from Nijmegen and Maastricht, Radboudumc and MUMC+
Classification: Likely benign. Review status: no assertion criteria provided. Collection method: clinical testing. Allele origin: germline. Affected: yes. Study: VKGL Data-share Consensus. Not counted in ClinVar's aggregate classification.

Literature cited by the submitters: PubMed 27582484 (cited by Mayo Clinic Laboratories, Mayo Clinic).

NM_001365536.1(SCN9A):c.5779C>T (p.Leu1927Phe)

Genes: SCN1A-AS1 (SCN1A and SCN9A antisense RNA 1; plus strand), SCN9A (sodium voltage-gated channel alpha subunit 9; minus strand). Cytogenetic location: 2q24.3.
Variant type: single nucleotide variant.
Coding change: c.5779C>T on transcript NM_001365536.1 (MANE Select); coding-DNA position 5779, C replaced by T.
Protein change: p.Leu1927Phe; replaces leucine 1927 with phenylalanine.
Molecular consequence: missense variant.
Genome position (GRCh38, 1-based): chr2:166,198,860, G>A on the plus strand (C>T on the coding strand, the complement: SCN9A is on the minus strand). VCF-style: chr2-166198860-G-A. GRCh37 (hg19) VCF-style: chr2-167055370-G-A.
Other names: c.5746C>T, p.Leu1916Phe (NM_002977.4); short protein forms L1916F, L1927F.
Identifiers: ClinVar variation 196020 (VCV000196020.51), dbSNP rs111558968, ClinGen allele CA202084.